The following is an entry in ClinVar:

NM_018089.3(ANKZF1):c.1130C>T (p.Thr377Ile)

Gene: ANKZF1 (ankyrin repeat and zinc finger peptidyl tRNA hydrolase 1; plus strand). Cytogenetic location: 2q35.
Variant type: single nucleotide variant.
Coding change: c.1130C>T on transcript NM_018089.3 (MANE Select); coding-DNA position 1130, C replaced by T.
Protein change: p.Thr377Ile; replaces threonine 377 with isoleucine.
Molecular consequence: missense variant.
Genome position (GRCh38, 1-based): chr2:219,234,214, C>T. VCF-style: chr2-219234214-C-T. GRCh37 (hg19) VCF-style: chr2-220098936-C-T.
Other names: c.1130C>T, p.Thr377Ile (NM_001042410.2); c.500C>T, p.Thr167Ile (NM_001282792.2); short protein forms T167I, T377I.
Identifiers: ClinVar variation 4699728 (VCV004699728.1).

ClinVar aggregate classification (germline): Uncertain significance (1 of 4 stars; one submission).

Submission:

Labcorp Genetics (formerly Invitae), Labcorp
Classification: Uncertain significance. Last evaluated: 2025-06-06. Review status: criteria provided, single submitter. Criteria: Invitae Variant Classification Sherloc (09022015). Collection method: clinical testing. Allele origin: germline.
Comment: This sequence change replaces threonine, which is neutral and polar, with isoleucine, which is neutral and non-polar, at codon 377 of the ANKZF1 protein (p.Thr377Ile). This variant is present in population databases (no rsID available, gnomAD 0.003%). This variant has not been reported in the literature in individuals affected with ANKZF1-related conditions. An algorithm developed to predict the effect of missense changes on protein structure and function outputs the following: PolyPhen-2: "Benign". The isoleucine amino acid residue is found in multiple mammalian species, which suggests that this missense change does not adversely affect protein function. In summary, the available evidence is currently insufficient to determine the role of this variant in disease. Therefore, it has been classified as a Variant of Uncertain Significance.